The following is an entry in ClinVar:

ClinVar aggregate classification (germline): Likely benign. Review status: criteria provided, multiple submitters, no conflicts (2 of 4 stars). 3 submissions from 3 submitters: Likely benign (3). Last evaluated 2026-08-12.

Conditions:
Retinal dystrophy. Also called: Inherited retinal dystrophy. Identifiers: Orphanet 71862, MedGen C0854723, MeSH D058499, MONDO:0019118, HP:0000556.
USH2A-related disorder. Also called: USH2A-related condition; USH2A-related disorders. Identifiers: MedGen CN239332.

Allele frequency attached by ClinVar (database versions not stated): gnomAD exomes 0.00002; gnomAD 0.00003 and 0.00004; TOPMed 0.00005.
gnomAD v4.1: 17 of 1,613,658 alleles (0.0011%); highest among the groups gnomAD compares: Admixed American, 0.022%; no homozygotes.

Submissions (3):

PreventionGenetics, part of Exact Sciences
Classification: Likely benign for USH2A-related condition. Last evaluated: 2026-08-12. Review status: criteria provided, single submitter. Criteria: ACMG Guidelines, 2015. Collection method: clinical testing. Allele origin: germline.
Comment: This variant is classified as likely benign based on ACMG/AMP sequence variant interpretation guidelines (Richards et al. 2015 PMID: 25741868, with internal and published modifications).

Labcorp Genetics (formerly Invitae), Labcorp
Classification: Likely benign. Last evaluated: 2025-01-21. Review status: criteria provided, single submitter. Criteria: Invitae Variant Classification Sherloc (09022015). Collection method: clinical testing. Allele origin: germline.

Dept Of Ophthalmology, Nagoya University
Classification: Likely benign for Retinal dystrophy. Last evaluated: 2023-10-01. Review status: criteria provided, single submitter. Criteria: Submitter's publication. Collection method: research. Allele origin: germline. Affected: yes.

NM_206933.4(USH2A):c.14925C>T (p.Ser4975=)

Gene: USH2A (usherin; minus strand). Cytogenetic location: 1q41.
Variant type: single nucleotide variant.
Coding change: c.14925C>T on transcript NM_206933.4 (MANE Select); coding-DNA position 14925, C replaced by T.
Protein change: p.Ser4975=; no amino-acid change (serine 4975 retained).
Molecular consequence: synonymous variant.
Genome position (GRCh38, 1-based): chr1:215,640,601, G>A on the plus strand (C>T on the coding strand, the complement: USH2A is on the minus strand). VCF-style: chr1-215640601-G-A. GRCh37 (hg19) VCF-style: chr1-215813943-G-A.
Identifiers: ClinVar variation 785847 (VCV000785847.12), dbSNP rs1158136623, ClinGen allele CA423306847.